The following is an entry in ClinVar:

NM_000246.4(CIITA):c.14C>G (p.Ala5Gly)

Genes: CIITA (class II major histocompatibility complex transactivator; plus strand), LOC130058443 (ATAC-STARR-seq lymphoblastoid active region 10394; plus strand). Cytogenetic location: 16p13.13.
Variant type: single nucleotide variant.
Coding change: c.14C>G on transcript NM_000246.4 (MANE Select); coding-DNA position 14, C replaced by G.
Protein change: p.Ala5Gly; replaces alanine 5 with glycine.
Molecular consequence: missense variant. On other transcripts: non-coding transcript variant (1).
Genome position (GRCh38, 1-based): chr16:10,877,344, C>G. VCF-style: chr16-10877344-C-G. GRCh37 (hg19) VCF-style: chr16-10971201-C-G.
Other names: c.14C>G, p.Ala5Gly (NM_001286402.1, NM_001286403.2, NM_001379330.1 and 3 more transcripts); short protein forms A5G.
Identifiers: ClinVar variation 644969 (VCV000644969.6), dbSNP rs1596412331, ClinGen allele CA394725250.

ClinVar aggregate classification (germline): Uncertain significance (1 of 4 stars; one submission).

Conditions:
MHC class II deficiency. Also called: Bare lymphocyte syndrome 2; BLS, TYPE II. Identifiers: Orphanet 572, MedGen C5447452, MONDO:0008855.

Submission:

Labcorp Genetics (formerly Invitae), Labcorp
Classification: Uncertain significance for MHC class II deficiency. Last evaluated: 2021-09-01. Review status: criteria provided, single submitter. Criteria: Invitae Variant Classification Sherloc (09022015). Collection method: clinical testing. Allele origin: germline.
Comment: This sequence change replaces alanine with glycine at codon 5 of the CIITA protein (p.Ala5Gly). The alanine residue is weakly conserved and there is a small physicochemical difference between alanine and glycine. This variant is not present in population databases (ExAC no frequency). This variant has not been reported in the literature in individuals affected with CIITA-related conditions. Algorithms developed to predict the effect of missense changes on protein structure and function (SIFT, PolyPhen-2, Align-GVGD) all suggest that this variant is likely to be tolerated. In summary, the available evidence is currently insufficient to determine the role of this variant in disease. Therefore, it has been classified as a Variant of Uncertain Significance.